The following is an entry in ClinVar:

NM_014846.4(WASHC5):c.*218T>C

Gene: WASHC5 (WASH complex subunit 5; minus strand). Cytogenetic location: 8q24.13.
Variant type: single nucleotide variant.
Coding change: c.*218T>C on transcript NM_014846.4 (MANE Select); 218 bases downstream of the stop codon, T replaced by C.
Molecular consequence: 3 prime UTR variant.
Genome position (GRCh38, 1-based): chr8:125,024,399, A>G on the plus strand (T>C on the coding strand, the complement: WASHC5 is on the minus strand). VCF-style: chr8-125024399-A-G. GRCh37 (hg19) VCF-style: chr8-126036641-A-G.
Other names: c.*218T>C (NM_001330609.2).
Identifiers: ClinVar variation 908287 (VCV000908287.4), dbSNP rs151072408, ClinGen allele CA185277878.

ClinVar aggregate classification (germline): Benign (1 of 4 stars; one submission).

Conditions:
Hereditary spastic paraplegia 8 (SPG8). Also called: SPASTIC PARAPLEGIA 8, AUTOSOMAL DOMINANT. Identifiers: Orphanet 100989, MedGen C1863704, MONDO:0011339, OMIM 603563.

Allele frequency attached by ClinVar (database versions not stated): gnomAD exomes 0.00025; 1000 Genomes Project 0.00140; 1000 Genomes Project 30x 0.00141; gnomAD 0.00166 and 0.00183; TOPMed 0.00204.
gnomAD v4.1: 369 of 600,386 alleles (0.061%); highest among the groups gnomAD compares: African/African-American, 0.63%; 2 homozygotes.

Submission:

Illumina Laboratory Services, Illumina
Classification: Benign for Hereditary spastic paraplegia 8. Last evaluated: 2018-01-13. Review status: criteria provided, single submitter. Criteria: ICSL Variant Classification Criteria 13 December 2019. Collection method: clinical testing. Allele origin: germline.
Comment: This variant was observed in the ICSL laboratory as part of a predisposition screen in an ostensibly healthy population. It had not been previously curated by ICSL or reported in the Human Gene Mutation Database (HGMD: prior to June 1st, 2018), and was therefore a candidate for classification through an automated scoring system. Utilizing variant allele frequency, disease prevalence and penetrance estimates, and inheritance mode, an automated score was calculated to assess if this variant is too frequent to cause the disease. Based on the score and internal cut-off values, a variant classified as benign is not then subjected to further curation. The score for this variant resulted in a classification of benign for this disease.